The following is an entry in ClinVar:

NM_001267550.2(TTN):c.54348A>T (p.Glu18116Asp)

Genes: TTN (titin; minus strand), TTN-AS1 (TTN antisense RNA 1; plus strand). Cytogenetic location: 2q31.2.
Variant type: single nucleotide variant.
Coding change: c.54348A>T on transcript NM_001267550.2 (MANE Select); coding-DNA position 54348, A replaced by T.
Protein change: p.Glu18116Asp; replaces glutamic acid 18116 with aspartic acid.
Molecular consequence: missense variant. On other transcripts: non-coding transcript variant (1).
Genome position (GRCh38, 1-based): chr2:178,604,741, T>A on the plus strand (A>T on the coding strand, the complement: TTN is on the minus strand). VCF-style: chr2-178604741-T-A. GRCh37 (hg19) VCF-style: chr2-179469468-T-A.
Other names: c.49425A>T, p.Glu16475Asp (NM_001256850.1); c.27153A>T, p.Glu9051Asp (NM_003319.4); c.46644A>T, p.Glu15548Asp (NM_133378.4); c.27528A>T, p.Glu9176Asp (NM_133432.3); c.27729A>T, p.Glu9243Asp (NM_133437.4); c.54348A>T (NM_001267550.1); short protein forms E15548D, E18116D, E9176D, E16475D, E9051D, E9243D.
Identifiers: ClinVar variation 893455 (VCV000893455.9), dbSNP rs773746281, ClinGen allele CA1993651.
Genomic context (GRCh38, chr2:178,604,741, plus strand): 5'-TATAAGAAAATATTCAGAAGAGTTTACCCCATATCTTTTCTCTACAGCAGTGTTGGTGAC[T>A]TCCTCCCATTCTGCTTTCTTCCTACTTGCATCACGTTTGTCAATAACATAATGGGTGATT-3'
Protein context (NP_001254479.2, residues 18106-18126): DASRKKAEWE[Glu18116Asp]VTNTAVEKRY

ClinVar aggregate classification (germline): Conflicting classifications of pathogenicity. Review status: criteria provided, conflicting classifications (1 of 4 stars). 8 submissions from 4 submitters: Uncertain significance (5); Likely benign (3). Last evaluated 2024-09-20.

Conditions:
Cardiovascular phenotype. Identifiers: MedGen CN230736.
Dilated cardiomyopathy 1G (CMD1G). Identifiers: Orphanet 154, MedGen C1858763, MONDO:0011400, OMIM 604145.
Early-onset myopathy with fatal cardiomyopathy (CMYO5). Also called: CONGENITAL MYOPATHY 5 WITH CARDIOMYOPATHY; Salih Myopathy. Identifiers: Orphanet 289377, MedGen C2673677, MONDO:0012714, OMIM 611705. Disease mechanism: loss of function.
Autosomal recessive limb-girdle muscular dystrophy type 2J (LGMDR10). Also called: Limb-girdle muscular dystrophy, type 2J; MUSCULAR DYSTROPHY, LIMB-GIRDLE, AUTOSOMAL RECESSIVE 10. Identifiers: Orphanet 140922, MedGen C1837342, MONDO:0012127, OMIM 608807.
Myopathy, myofibrillar, 9, with early respiratory failure (MFM9). Also called: EDSTROM MYOPATHY; MYOPATHY, PROXIMAL, WITH EARLY RESPIRATORY MUSCLE INVOLVEMENT; Myopathy, distal, with early respiratory failure, autosomal dominant; Hereditary myopathy with early respiratory failure. Identifiers: Orphanet 178464, Orphanet 34521, MedGen C1863599, MONDO:0011362, OMIM 603689.
Tibial muscular dystrophy (TMD). Also called: Tibial muscular dystrophy, tardive; UDD MYOPATHY; Udd Distal Myopathy – Tibial Muscular Dystrophy. Identifiers: Orphanet 609, MedGen C1838244, MONDO:0010870, OMIM 600334.

Allele frequency attached by ClinVar (database versions not stated): gnomAD exomes 0.00002; TOPMed 0.00002; ExAC 0.00003; gnomAD 0.00003 and 0.00004.
gnomAD v4.1: 12 of 1,611,690 alleles (0.00074%); highest among the groups gnomAD compares: African/African-American, 0.0094%; no homozygotes.

Submissions (8):

Revvity Omics, Revvity
Classification: Uncertain significance. Last evaluated: 2024-09-20. Review status: criteria provided, single submitter. Criteria: ACMG Guidelines, 2015. Collection method: clinical testing. Allele origin: germline.

GeneDx
Classification: Uncertain significance. Last evaluated: 2024-05-22. Review status: criteria provided, single submitter. Criteria: GeneDx Variant Classification Process June 2021. Collection method: clinical testing. Allele origin: germline. Affected: yes.
Comment: Not observed at significant frequency in large population cohorts (gnomAD); Missense variant in a gene in which most reported pathogenic variants are truncating/loss of function; Has not been previously published as pathogenic or benign to our knowledge

Ambry Genetics
Classification: Likely benign for Cardiovascular phenotype. Last evaluated: 2019-05-30. Review status: criteria provided, single submitter. Criteria: Ambry Variant Classification Scheme 2023. Collection method: clinical testing. Allele origin: germline.

Illumina Laboratory Services, Illumina
Classification: Likely benign for Myopathy, myofibrillar, 9, with early respiratory failure. Last evaluated: 2018-01-12. Review status: criteria provided, single submitter. Criteria: ICSL Variant Classification Criteria 13 December 2019. Collection method: clinical testing. Allele origin: germline.
Comment: This variant was observed in the ICSL laboratory as part of a predisposition screen in an ostensibly healthy population. It had not been previously curated by ICSL or reported in the Human Gene Mutation Database (HGMD: prior to June 1st, 2018), and was therefore a candidate for classification through an automated scoring system. Utilizing variant allele frequency, disease prevalence and penetrance estimates, and inheritance mode, an automated score was calculated to assess if this variant is too frequent to cause the disease. Based on the score and internal cut-off values, a variant classified as likely benign is not then subjected to further curation. The score for this variant resulted in a classification of likely benign for this disease.

Illumina Laboratory Services, Illumina
Classification: Likely benign for Tibial muscular dystrophy. Last evaluated: 2018-01-12. Review status: criteria provided, single submitter. Criteria: ICSL Variant Classification Criteria 13 December 2019. Collection method: clinical testing. Allele origin: germline.
Comment: the same text as in the submission from Illumina Laboratory Services, Illumina above.

Illumina Laboratory Services, Illumina
Classification: Uncertain significance for Early-onset myopathy with fatal cardiomyopathy. Last evaluated: 2018-01-12. Review status: criteria provided, single submitter. Criteria: ICSL Variant Classification Criteria 13 December 2019. Collection method: clinical testing. Allele origin: germline.

Illumina Laboratory Services, Illumina
Classification: Uncertain significance for Autosomal recessive limb-girdle muscular dystrophy type 2J. Last evaluated: 2018-01-12. Review status: criteria provided, single submitter. Criteria: ICSL Variant Classification Criteria 13 December 2019. Collection method: clinical testing. Allele origin: germline.

Illumina Laboratory Services, Illumina
Classification: Uncertain significance for Dilated cardiomyopathy 1G. Last evaluated: 2018-01-12. Review status: criteria provided, single submitter. Criteria: ICSL Variant Classification Criteria 13 December 2019. Collection method: clinical testing. Allele origin: germline.